The following is an entry in ClinVar:

NM_000390.4(CHM):c.1718A>T (p.Tyr573Phe)

Gene: CHM (CHM Rab escort protein; minus strand). Cytogenetic location: Xq21.2.
Variant type: single nucleotide variant.
Coding change: c.1718A>T on transcript NM_000390.4 (MANE Select); coding-DNA position 1718, A replaced by T.
Protein change: p.Tyr573Phe; replaces tyrosine 573 with phenylalanine.
Molecular consequence: missense variant.
Genome position (GRCh38, 1-based): chrX:85,873,104, T>A on the plus strand (A>T on the coding strand, the complement: CHM is on the minus strand). VCF-style: chrX-85873104-T-A. GRCh37 (hg19) VCF-style: chrX-85128109-T-A.
Other names: c.1274A>T, p.Tyr425Phe (NM_001320959.1, NM_001362517.1, NM_001362518.2 and 1 more transcripts); short protein forms Y573F, Y425F.
Identifiers: ClinVar variation 2957296 (VCV002957296.3), dbSNP rs1924186788, ClinGen allele CA413786466.

ClinVar aggregate classification (germline): Uncertain significance (1 of 4 stars; one submission).

gnomAD v4.1: 2 of 1,206,074 alleles (0.00017%); highest among the groups gnomAD compares: African/African-American, 0.0035%; no homozygotes.

Submission:

Labcorp Genetics (formerly Invitae), Labcorp
Classification: Uncertain significance. Last evaluated: 2025-08-06. Review status: criteria provided, single submitter. Criteria: Invitae Variant Classification Sherloc (09022015). Collection method: clinical testing. Allele origin: germline.
Comment: This sequence change replaces tyrosine, which is neutral and polar, with phenylalanine, which is neutral and non-polar, at codon 573 of the CHM protein (p.Tyr573Phe). This variant is not present in population databases (gnomAD no frequency). This variant has not been reported in the literature in individuals affected with CHM-related conditions. ClinVar contains an entry for this variant (Variation ID: 2957296). Invitae Evidence Modeling of protein sequence and biophysical properties (such as structural, functional, and spatial information, amino acid conservation, physicochemical variation, residue mobility, and thermodynamic stability) indicates that this missense variant is not expected to disrupt CHM protein function with a negative predictive value of 80%. In summary, the available evidence is currently insufficient to determine the role of this variant in disease. Therefore, it has been classified as a Variant of Uncertain Significance.